The following is an entry in ClinVar:

ClinVar aggregate classification (germline): Conflicting classifications of pathogenicity. Review status: criteria provided, conflicting classifications (1 of 4 stars). 3 submissions from 3 submitters: Uncertain significance (2); Benign (1). Last evaluated 2025-10-30.

Conditions:
Cataract 14 multiple types. Also called: CATARACT 14, ZONULAR PULVERULENT; CATARACT 14, NUCLEAR PULVERULENT; CATARACT 14, NUCLEAR PULVERULENT AND POSTERIOR POLAR; CATARACT 14, NUCLEAR CORALLIFORM; CATARACT 14, EMBRYONAL NUCLEAR; CATARACT 14, COPPOCK-LIKE. Identifiers: Orphanet 91492, MedGen C1866078, MONDO:0011162, OMIM 601885.
Inborn genetic diseases. Identifiers: MedGen C0950123, MeSH D030342.

Allele frequency attached by ClinVar (database versions not stated): gnomAD 0.00003; gnomAD exomes 0.00003 and 0.00006; TOPMed 0.00003; ExAC 0.00005.

Submissions (3):

Ambry Genetics
Classification: Uncertain significance for Inborn genetic diseases. Last evaluated: 2025-10-30. Review status: criteria provided, single submitter. Criteria: Ambry Variant Classification Scheme 2023. Collection method: clinical testing. Allele origin: germline.

Labcorp Genetics (formerly Invitae), Labcorp
Classification: Uncertain significance for Cataract 14 multiple types. Last evaluated: 2019-10-13. Review status: criteria provided, single submitter. Criteria: Invitae Variant Classification Sherloc (09022015). Collection method: clinical testing. Allele origin: germline.
Comment: In summary, the available evidence is currently insufficient to determine the role of this variant in disease. Therefore, it has been classified as a Variant of Uncertain Significance. Algorithms developed to predict the effect of missense changes on protein structure and function are either unavailable or do not agree on the potential impact of this missense change (SIFT: "Deleterious"; PolyPhen-2: "Possibly Damaging"; Align-GVGD: "Class C0"). This variant has not been reported in the literature in individuals with GJA3-related conditions. This variant is present in population databases (rs747097789, ExAC 0.009%). This sequence change replaces glutamic acid with glutamine at codon 112 of the GJA3 protein (p.Glu112Gln). The glutamic acid residue is highly conserved and there is a small physicochemical difference between glutamic acid and glutamine.

Illumina Laboratory Services, Illumina
Classification: Benign for Cataract 14 multiple types. Last evaluated: 2018-01-12. Review status: criteria provided, single submitter. Criteria: ICSL Variant Classification Criteria 13 December 2019. Collection method: clinical testing. Allele origin: germline.
Comment: This variant was observed in the ICSL laboratory as part of a predisposition screen in an ostensibly healthy population. It had not been previously curated by ICSL or reported in the Human Gene Mutation Database (HGMD: prior to June 1st, 2018), and was therefore a candidate for classification through an automated scoring system. Utilizing variant allele frequency, disease prevalence and penetrance estimates, and inheritance mode, an automated score was calculated to assess if this variant is too frequent to cause the disease. Based on the score and internal cut-off values, a variant classified as benign is not then subjected to further curation. The score for this variant resulted in a classification of benign for this disease.

NM_021954.4(GJA3):c.334G>C (p.Glu112Gln)

Gene: GJA3 (gap junction protein alpha 3; minus strand). Cytogenetic location: 13q12.11.
Variant type: single nucleotide variant.
Coding change: c.334G>C on transcript NM_021954.4 (MANE Select); coding-DNA position 334, G replaced by C.
Protein change: p.Glu112Gln; replaces glutamic acid 112 with glutamine.
Molecular consequence: missense variant.
Genome position (GRCh38, 1-based): chr13:20,142,955, C>G on the plus strand (G>C on the coding strand, the complement: GJA3 is on the minus strand). VCF-style: chr13-20142955-C-G. GRCh37 (hg19) VCF-style: chr13-20717094-C-G.
Other names: short protein forms E112Q.
Identifiers: ClinVar variation 880847 (VCV000880847.15), dbSNP rs747097789, ClinGen allele CA6904138.